The following is an entry in ClinVar:

NM_138295.5(PKD1L1):c.433G>A (p.Ala145Thr)

Gene: PKD1L1 (polycystin 1 like 1, transient receptor potential channel interacting; minus strand). Cytogenetic location: 7p12.3.
Variant type: single nucleotide variant.
Coding change: c.433G>A on transcript NM_138295.5 (MANE Select); coding-DNA position 433, G replaced by A.
Protein change: p.Ala145Thr; replaces alanine 145 with threonine.
Molecular consequence: missense variant.
Genome position (GRCh38, 1-based): chr7:47,932,022, C>T on the plus strand (G>A on the coding strand, the complement: PKD1L1 is on the minus strand). VCF-style: chr7-47932022-C-T. GRCh37 (hg19) VCF-style: chr7-47971619-C-T.
Other names: short protein forms A145T.
Identifiers: ClinVar variation 2143416 (VCV002143416.5), dbSNP rs376263525, ClinGen allele CA4254351.

ClinVar aggregate classification (germline): Uncertain significance. Review status: criteria provided, multiple submitters, no conflicts (2 of 4 stars). 2 submissions from 2 submitters: Uncertain significance (2). Last evaluated 2024-03-27.

Conditions:
Heterotaxy, visceral, 8, autosomal (HTX8). Identifiers: MedGen C4310668, MONDO:0014967, OMIM 617205.

Allele frequency attached by ClinVar (database versions not stated): ExAC 0.00002.
gnomAD v4.1: 51 of 1,613,442 alleles (0.0032%); highest among the groups gnomAD compares: Middle Eastern, 0.016%; no homozygotes.

Submissions (2):

Fulgent Genetics
Classification: Uncertain significance for Heterotaxy, visceral, 8, autosomal. Last evaluated: 2024-03-27. Review status: criteria provided, single submitter. Criteria: ACMG Guidelines, 2015. Collection method: clinical testing. Allele origin: germline.

Labcorp Genetics (formerly Invitae), Labcorp
Classification: Uncertain significance. Last evaluated: 2023-01-19. Review status: criteria provided, single submitter. Criteria: Invitae Variant Classification Sherloc (09022015). Collection method: clinical testing. Allele origin: germline.
Comment: In summary, the available evidence is currently insufficient to determine the role of this variant in disease. Therefore, it has been classified as a Variant of Uncertain Significance. Algorithms developed to predict the effect of missense changes on protein structure and function output the following: SIFT: "Tolerated"; PolyPhen-2: "Benign"; Align-GVGD: "Class C0". The threonine amino acid residue is found in multiple mammalian species, which suggests that this missense change does not adversely affect protein function. This variant has not been reported in the literature in individuals affected with PKD1L1-related conditions. This variant is present in population databases (rs376263525, gnomAD 0.004%). This sequence change replaces alanine, which is neutral and non-polar, with threonine, which is neutral and polar, at codon 145 of the PKD1L1 protein (p.Ala145Thr).